The following is an entry in ClinVar:

NM_004082.5(DCTN1):c.2679C>T (p.Cys893=)

Gene: DCTN1 (dynactin subunit 1; minus strand). Cytogenetic location: 2p13.1.
Variant type: single nucleotide variant.
Coding change: c.2679C>T on transcript NM_004082.5 (MANE Select); coding-DNA position 2679, C replaced by T.
Protein change: p.Cys893=; no amino-acid change (cysteine 893 retained).
Molecular consequence: synonymous variant. On other transcripts: non-coding transcript variant (1).
Genome position (GRCh38, 1-based): chr2:74,366,325, G>A on the plus strand (C>T on the coding strand, the complement: DCTN1 is on the minus strand). VCF-style: chr2-74366325-G-A. GRCh37 (hg19) VCF-style: chr2-74593452-G-A.
Other names: c.2619C>T, p.Cys873= (NM_001135040.3); c.2277C>T, p.Cys759= (NM_001135041.3, NM_023019.4); c.2568C>T, p.Cys856= (NM_001190836.2); c.2658C>T, p.Cys886= (NM_001190837.2); c.2628C>T, p.Cys876= (NM_001378991.1); c.2610C>T, p.Cys870= (NM_001378992.1).
Identifiers: ClinVar variation 994146 (VCV000994146.36), dbSNP rs1253918840, ClinGen allele CA427030143.

ClinVar aggregate classification (germline): Likely benign. Review status: criteria provided, multiple submitters, no conflicts (2 of 4 stars). 3 submissions from 3 submitters: Likely benign (3). Last evaluated 2023-04-01.

Conditions:
Neuronopathy, distal hereditary motor, type 7B. Also called: NEURONOPATHY, DISTAL HEREDITARY MOTOR, AUTOSOMAL DOMINANT 14; NEURONOPATHY, DISTAL HEREDITARY MOTOR, HARDING TYPE VIIB; NEUROPATHY, DISTAL HEREDITARY MOTOR, HARDING TYPE VIIB; NEUROPATHY, DISTAL HEREDITARY MOTOR, WITH VOCAL CORD PARALYSIS, HARDING TYPE VIIB; Distal Hereditary Motor Neuronopathy Type 7B (dHMN7B); HMN VIIB. Identifiers: Orphanet 139589, MedGen C1843315, MONDO:0011879, OMIM 607641.
Perry syndrome. Also called: PARKINSONISM WITH ALVEOLAR HYPOVENTILATION AND MENTAL DEPRESSION. Identifiers: Orphanet 178509, MedGen C1868594, MONDO:0008201, OMIM 168605.
Amyotrophic lateral sclerosis type 1 (ALS1). Also called: AMYOTROPHIC LATERAL SCLEROSIS 1, FAMILIAL. Identifiers: Orphanet 803, MedGen C1862939, MONDO:0007103, OMIM 105400.

Allele frequency attached by ClinVar (database versions not stated): gnomAD exomes below 0.00001; gnomAD 0.00001; TOPMed 0.00001.
gnomAD v4.1: 3 of 1,614,098 alleles (0.00019%); highest among the groups gnomAD compares: Non-Finnish European, 0.00025%; no homozygotes.

Submissions (3):

CeGaT Center for Human Genetics Tuebingen
Classification: Likely benign. Last evaluated: 2023-04-01. Review status: criteria provided, single submitter. Criteria: CeGaT Center For Human Genetics Tuebingen Variant Classification Criteria Version 2. Collection method: clinical testing. Allele origin: germline. Affected: yes. Observed: 1 variant allele.
Comment: DCTN1: BP4, BP7

Labcorp Genetics (formerly Invitae), Labcorp
Classification: Likely benign for Amyotrophic lateral sclerosis type 1; Neuronopathy, distal hereditary motor, type 7B; Perry syndrome. Last evaluated: 2022-08-12. Review status: criteria provided, single submitter. Criteria: Invitae Variant Classification Sherloc (09022015). Collection method: clinical testing. Allele origin: germline.

ARUP Laboratories, Molecular Genetics and Genomics, ARUP Laboratories
Classification: Likely benign. Last evaluated: 2020-05-07. Review status: criteria provided, single submitter. Criteria: ARUP Molecular Germline Variant Investigation Process. Collection method: clinical testing. Allele origin: germline.